The following is an entry in ClinVar:

ClinVar aggregate classification (germline): Likely pathogenic (1 of 4 stars; one submission).

Submission:

Labcorp Genetics (formerly Invitae), Labcorp
Classification: Likely pathogenic. Last evaluated: 2024-11-02. Review status: criteria provided, single submitter. Criteria: Invitae Variant Classification Sherloc (09022015). Collection method: clinical testing. Allele origin: germline.
Comment: This sequence change affects a donor splice site in intron 6 of the IDH3B gene. It is expected to disrupt RNA splicing. Variants that disrupt the donor or acceptor splice site typically lead to a loss of protein function (PMID: 16199547), and loss-of-function variants in IDH3B are known to be pathogenic (PMID: 18806796). This variant is not present in population databases (gnomAD no frequency). This variant has not been reported in the literature in individuals affected with IDH3B-related conditions. Algorithms developed to predict the effect of sequence changes on RNA splicing suggest that this variant may disrupt the consensus splice site. In summary, the currently available evidence indicates that the variant is pathogenic, but additional data are needed to prove that conclusively. Therefore, this variant has been classified as Likely Pathogenic.

Literature cited by the submitters: PubMed 16199547; PubMed 18806796.

NM_006899.5(IDH3B):c.531+1G>C

Gene: IDH3B (isocitrate dehydrogenase (NAD(+)) 3 non-catalytic subunit beta; minus strand). Cytogenetic location: 20p13.
Variant type: single nucleotide variant.
Coding change: c.531+1G>C on transcript NM_006899.5 (MANE Select); the canonical splice donor site of the intron after coding-DNA position 531, G replaced by C.
Molecular consequence: splice donor variant.
Genome position (GRCh38, 1-based): chr20:2,660,696, C>G on the plus strand (G>C on the coding strand, the complement: IDH3B is on the minus strand). VCF-style: chr20-2660696-C-G. GRCh37 (hg19) VCF-style: chr20-2641342-C-G.
Other names: c.531+1G>C (NM_174855.4, NM_001330763.2, NM_001258384.3).
Identifiers: ClinVar variation 3663424 (VCV003663424.2).